The following is an entry in ClinVar:

NM_001365999.1(SZT2):c.9631C>A (p.Arg3211Ser)

Genes: SZT2 (SZT2 subunit of KICSTOR complex; plus strand), SZT2-AS1 (SZT2 antisense RNA 1; minus strand). Cytogenetic location: 1p34.2.
Variant type: single nucleotide variant.
Coding change: c.9631C>A on transcript NM_001365999.1 (MANE Select); coding-DNA position 9631, C replaced by A.
Protein change: p.Arg3211Ser; replaces arginine 3211 with serine.
Molecular consequence: missense variant. On other transcripts: non-coding transcript variant (1).
Genome position (GRCh38, 1-based): chr1:43,448,146, C>A. VCF-style: chr1-43448146-C-A. GRCh37 (hg19) VCF-style: chr1-43913817-C-A.
Other names: c.9460C>A, p.Arg3154Ser (NM_015284.4); short protein forms R3154S, R3211S.
Identifiers: ClinVar variation 649272 (VCV000649272.8), dbSNP rs759450249, ClinGen allele CA340043919.

ClinVar aggregate classification (germline): Uncertain significance (1 of 4 stars; one submission).

Submission:

Labcorp Genetics (formerly Invitae), Labcorp
Classification: Uncertain significance. Last evaluated: 2022-03-10. Review status: criteria provided, single submitter. Criteria: Invitae Variant Classification Sherloc (09022015). Collection method: clinical testing. Allele origin: germline.
Comment: Algorithms developed to predict the effect of missense changes on protein structure and function are either unavailable or do not agree on the potential impact of this missense change (SIFT: "Tolerated"; PolyPhen-2: "Probably Damaging"; Align-GVGD: "Class C0"). ClinVar contains an entry for this variant (Variation ID: 649272). This variant has not been reported in the literature in individuals affected with SZT2-related conditions. This variant is not present in population databases (gnomAD no frequency). This sequence change replaces arginine, which is basic and polar, with serine, which is neutral and polar, at codon 3154 of the SZT2 protein (p.Arg3154Ser). Algorithms developed to predict the effect of sequence changes on RNA splicing suggest that this variant may create or strengthen a splice site. In summary, the available evidence is currently insufficient to determine the role of this variant in disease. Therefore, it has been classified as a Variant of Uncertain Significance.